The following is an entry in ClinVar:

NM_004208.4(AIFM1):c.1448+8T>C

Genes: AIFM1 (apoptosis inducing factor mitochondria associated 1; minus strand), RAB33A (RAB33A, member RAS oncogene family; plus strand). Cytogenetic location: Xq26.1.
Variant type: single nucleotide variant.
Coding change: c.1448+8T>C on transcript NM_004208.4 (MANE Select); 8 bases into the intron after coding-DNA position 1448, T replaced by C.
Molecular consequence: intron variant.
Genome position (GRCh38, 1-based): chrX:130,133,305, A>G on the plus strand (T>C on the coding strand, the complement: AIFM1 is on the minus strand). VCF-style: chrX-130133305-A-G. GRCh37 (hg19) VCF-style: chrX-129267280-A-G.
Other names: c.1436+8T>C (NM_145812.3); c.*676+8T>C (NM_001130847.4); c.431+8T>C (NM_001130846.4).
Identifiers: ClinVar variation 700914 (VCV000700914.11), dbSNP rs779608569, ClinGen allele CA10515290.

ClinVar aggregate classification (germline): Likely benign. Review status: criteria provided, multiple submitters, no conflicts (2 of 4 stars). 2 submissions from 2 submitters: Likely benign (2). Last evaluated 2025-11-23.

Conditions:
Charcot-Marie-Tooth Neuropathy X. Identifiers: MedGen CN118851.
Combined oxidative phosphorylation deficiency. Identifiers: MedGen C4540031, MONDO:0000732.

Allele frequency attached by ClinVar (database versions not stated): ExAC 0.00003; gnomAD 0.00005; TOPMed 0.00004; gnomAD exomes 0.00002.
gnomAD v4.1: 29 of 1,208,430 alleles (0.0024%); highest among the groups gnomAD compares: Non-Finnish European, 0.0032%; no homozygotes.

Submissions (2):

Labcorp Genetics (formerly Invitae), Labcorp
Classification: Likely benign for Charcot-Marie-Tooth Neuropathy X; Combined oxidative phosphorylation deficiency. Last evaluated: 2025-11-23. Review status: criteria provided, single submitter. Criteria: Invitae Variant Classification Sherloc (09022015). Collection method: clinical testing. Allele origin: germline.

Women's Health and Genetics/Laboratory Corporation of America, LabCorp
Classification: Likely benign. Last evaluated: 2024-06-14. Review status: criteria provided, single submitter. Criteria: LabCorp Variant Classification Summary - May 2015. Collection method: clinical testing. Allele origin: germline.
Comment: Variant summary: AIFM1 c.1448+8T>C alters a conserved nucleotide located close to a canonical splice site and therefore could affect mRNA splicing, leading to a significantly altered protein sequence. Consensus agreement among computation tools predict no significant impact on normal splicing. However, these predictions have yet to be confirmed by functional studies. The variant allele was found at a frequency of 2.4e-05 in 1208430 control chromosomes including 16 hemizygotes (gnomAD database v4). This frequency is not significantly higher than estimated for a pathogenic variant in AIFM1 causing Combined Oxidative Phosphorylation Deficiency 6. To our knowledge, no occurrence of c.1448+8T>C in individuals affected with Combined Oxidative Phosphorylation Deficiency 6 and no experimental evidence demonstrating its impact on protein function have been reported. ClinVar contains an entry for this variant (Variation ID: 700914). Based on the evidence outlined above, the variant was classified as likely benign.